The following is an entry in ClinVar:

NM_203446.3(SYNJ1):c.3126del (p.Ser1043fs)

Gene: SYNJ1 (synaptojanin 1; minus strand). Cytogenetic location: 21q22.11.
Variant type: Deletion.
Coding change: c.3126del on transcript NM_203446.3 (MANE Select); coding-DNA position 3126, one base deleted (C; older notation c.3126delC).
Protein change: p.Ser1043fs; shifts the reading frame from serine 1043.
Molecular consequence: frameshift variant.
Genome position (GRCh38, 1-based): chr21:32,646,514, G deleted on the plus strand (C on the coding strand, the reverse complement: SYNJ1 is on the minus strand); the first of 5 consecutive G bases (chr21:32,646,514-32,646,518); deleting any one gives the same sequence. VCF-style (leftmost placement, unchanged base first): chr21-32646513-TG-T. GRCh37 (hg19) VCF-style: chr21-34018823-TG-T.
Other names: c.3122delC, p.Ser1043Alafs (NM_001160302.2); c.3111del, p.Ser1038fs (NM_001160306.2); c.3239delC, p.Ser1082Alafs (NM_003895.4); short protein forms S1043fs, S1082fs, S1038fs.
Identifiers: ClinVar variation 848199 (VCV000848199.9), dbSNP rs1230133310, ClinGen allele CA645606518.

ClinVar aggregate classification (germline): Pathogenic (1 of 4 stars; one submission).

Conditions:
Developmental and epileptic encephalopathy, 53. Also called: Epileptic encephalopathy, early infantile, 53. Identifiers: MedGen C4479313, MONDO:0033362, OMIM 617389.
Early-onset Parkinson disease 20. Also called: PARKINSON DISEASE 20, AUTOSOMAL RECESSIVE EARLY-ONSET. Identifiers: Orphanet 391411, MedGen C3809824, MONDO:0014233, OMIM 615530.

Submission:

Labcorp Genetics (formerly Invitae), Labcorp
Classification: Pathogenic for Developmental and epileptic encephalopathy, 53; Early-onset Parkinson disease 20. Last evaluated: 2021-02-12. Review status: criteria provided, single submitter. Criteria: Invitae Variant Classification Sherloc (09022015). Collection method: clinical testing. Allele origin: germline.
Comment: For these reasons, this variant has been classified as Pathogenic. This variant has not been reported in the literature in individuals with SYNJ1-related conditions. ClinVar contains an entry for this variant (Variation ID: 848199). This variant is not present in population databases (ExAC no frequency). This sequence change creates a premature translational stop signal (p.Ser1082Alafs*111) in the SYNJ1 gene. It is expected to result in an absent or disrupted protein product. Loss-of-function variants in SYNJ1 are known to be pathogenic (PMID: 25316601, 27435091).

Literature cited by the submitters: PubMed 25316601; PubMed 27435091.